The following is an entry in ClinVar:

ClinVar aggregate classification (germline): Pathogenic/Likely pathogenic. Review status: criteria provided, multiple submitters, no conflicts (2 of 4 stars). 7 submissions from 7 submitters: Pathogenic (4); Likely pathogenic (3). Last evaluated 2025-12-02.

Conditions:
Hereditary nonpolyposis colorectal neoplasms. Identifiers: MedGen C0009405, MeSH D003123.
Lynch syndrome 5 (LYNCH5). Also called: Colorectal cancer, hereditary nonpolyposis, type 5; Hereditary non-polyposis colorectal cancer, type 5. Identifiers: Orphanet 144, MedGen C1833477, MONDO:0013710, OMIM 614350. Disease mechanism: loss of function.
Hereditary nonpolyposis colon cancer (HNPCC). Also called: Hereditary nonpolyposis colorectal cancer; Familial nonpolyposis colon cancer; Hereditary Nonpolyposis Colorectal Cancer Syndrome. Identifiers: Orphanet 443909, MedGen C1333990, MONDO:0018630. Disease mechanism: loss of function.
Hereditary cancer-predisposing syndrome. Also called: Tumor predisposition; Hereditary Cancer Syndrome; Neoplastic Syndromes, Hereditary; Hereditary neoplastic syndrome. Identifiers: Orphanet 140162, MedGen C0027672, MeSH D009386, MONDO:0015356.
Endometrial carcinoma. Also called: Endometrial carcinoma, somatic. Identifiers: MedGen C0476089, MONDO:0002447, OMIM 608089, HP:0012114.

Allele frequency attached by ClinVar (database versions not stated): gnomAD exomes below 0.00001.

Submissions (7):

Ambry Genetics
Classification: Pathogenic for Hereditary cancer-predisposing syndrome. Last evaluated: 2025-12-02. Review status: criteria provided, single submitter. Criteria: Ambry Variant Classification Scheme 2023. Collection method: clinical testing. Allele origin: germline.
Comment: The c.2269_2270delAC pathogenic mutation, located in coding exon 4 of the MSH6 gene, results from a deletion of two nucleotides at nucleotide positions 2269 to 2270, causing a translational frameshift with a predicted alternate stop codon (p.T757Pfs*6). This alteration is expected to result in loss of function by premature protein truncation or nonsense-mediated mRNA decay. As such, this alteration is interpreted as a disease-causing mutation.

Labcorp Genetics (formerly Invitae), Labcorp
Classification: Pathogenic for Hereditary nonpolyposis colorectal neoplasms. Last evaluated: 2025-08-17. Review status: criteria provided, single submitter. Criteria: Invitae Variant Classification Sherloc (09022015). Collection method: clinical testing. Allele origin: germline.
Comment: This sequence change creates a premature translational stop signal (p.Thr757Profs*6) in the MSH6 gene. It is expected to result in an absent or disrupted protein product. Loss-of-function variants in MSH6 are known to be pathogenic (PMID: 18269114, 24362816). This variant is present in population databases (no rsID available, gnomAD 0.003%). This variant has not been reported in the literature in individuals affected with MSH6-related conditions. Invitae Evidence Modeling of clinical and family history, age, sex, and reported ancestry of multiple individuals with this MSH6 variant has been performed. This variant is expected to be pathogenic with a positive predictive value of at least 99%. This is a validated machine learning model that incorporates the clinical features of 1,627,235 individuals referred to our laboratory for MSH6 testing. ClinVar contains an entry for this variant (Variation ID: 234448). For these reasons, this variant has been classified as Pathogenic.

Variantyx, Inc.
Classification: Likely pathogenic for Lynch syndrome 5. Last evaluated: 2025-04-09. Review status: criteria provided, single submitter. Criteria: Variantyx Assertion Criteria 2022. Collection method: clinical testing. Allele origin: germline. Inheritance: Autosomal dominant inheritance. Affected: yes.
Comment: This is a frameshift variant in the MSH6 gene (OMIM: 600678). Pathogenic variants in this gene have been associated with autosomal dominant Lynch syndrome 5. This variant introduces a premature termination codon in exon 4 out of 10 and is expected to result in loss of function, which is a known disease mechanism for MSH6 in this disorder (PMID:19851131;18269114, 24362816;21081928) (PVS1). This variant has not been previously reported in databases and it has a 0.0022% maximum allele frequency in non-founder control populations (PM2). Based on the current evidence, this variant is classified as likely pathogenic for autosomal dominant Lynch syndrome 5.

Baylor Genetics
Classification: Likely pathogenic for Endometrial carcinoma. Last evaluated: 2023-10-14. Review status: criteria provided, single submitter. Criteria: ACMG Guidelines, 2015. Collection method: clinical testing. Allele origin: unknown.

Myriad Genetics, Inc.
Classification: Pathogenic for Lynch syndrome 5. Last evaluated: 2023-08-16. Review status: criteria provided, single submitter. Criteria: Myriad Autosomal Dominant, Autosomal Recessive and X-Linked Classification Criteria (2023). Collection method: clinical testing. Allele origin: unknown.
Comment: This variant is considered pathogenic. This variant creates a frameshift predicted to result in premature protein truncation.

Women's Health and Genetics/Laboratory Corporation of America, LabCorp
Classification: Likely pathogenic for Hereditary nonpolyposis colon cancer. Last evaluated: 2022-06-27. Review status: criteria provided, single submitter. Criteria: LabCorp Variant Classification Summary - May 2015. Collection method: clinical testing. Allele origin: germline.
Comment: Variant summary: MSH6 c.2269_2270delAC (p.Thr757ProfsX6) results in a premature termination codon, predicted to cause a truncation of the encoded protein or absence of the protein due to nonsense mediated decay, which are commonly known mechanisms for disease. Truncations downstream of this position have been classified as pathogenic by our laboratory. The variant allele was found at a frequency of 4e-06 in 251080 control chromosomes (gnomAD). To our knowledge, no occurrence of c.2269_2270delAC in individuals affected with Lynch Syndrome and no experimental evidence demonstrating its impact on protein function have been reported. Two clinical diagnostic laboratories have submitted clinical-significance assessments for this variant to ClinVar after 2014 and both classified the variant as pathogenic. Based on the evidence outlined above, the variant was classified as likely pathogenic.

GeneDx
Classification: Pathogenic. Last evaluated: 2016-01-21. Review status: criteria provided, single submitter. Criteria: GeneDx Variant Classification (06012015). Collection method: clinical testing. Allele origin: germline. Affected: yes.
Comment: This deletion of 2 nucleotides in MSH6 is denoted c.2269_2270delAC at the cDNA level and p.Thr757ProfsX6 (T757PfsX6) at the protein level. The normal sequence, with the bases that are deleted in brace, is AGGA[AC]CCTA. The deletion causes a frameshift, which changes a Threonine to a Proline at codon 757, and creates a premature stop codon at position 6 of the new reading frame. Although this variant has not, to our knowledge, been reported in the literature, it is predicted to cause loss of normal protein function through either protein truncation or nonsense-mediated mRNA decay. we consider this variant to be pathogenic.

Literature cited by the submitters: PubMed 18269114 (cited by Labcorp Genetics (formerly Invitae), Labcorp and Variantyx, Inc.); PubMed 24362816 (cited by Labcorp Genetics (formerly Invitae), Labcorp and Variantyx, Inc.); PubMed 19851131 (cited by Variantyx, Inc.); PubMed 21081928 (cited by Variantyx, Inc.).

NM_000179.3(MSH6):c.2269_2270del (p.Thr757fs)

Gene: MSH6 (mutS homolog 6; plus strand). Cytogenetic location: 2p16.3.
Variant type: Deletion.
Coding change: c.2269_2270del on transcript NM_000179.3 (MANE Select); coding-DNA positions 2269 to 2270, 2 bases deleted (AC; older notation c.2269_2270delAC).
Protein change: p.Thr757fs; shifts the reading frame from threonine 757.
Molecular consequence: frameshift variant.
Genome position (GRCh38, 1-based): chr2:47,800,252-47,800,253, AC deleted. VCF-style (leftmost placement, unchanged base first): chr2-47800251-AAC-A. GRCh37 (hg19) VCF-style: chr2-48027390-AAC-A.
Other names: c.1879_1880del, p.Thr627fs (NM_001281492.2); c.1363_1364del, p.Thr455fs (NM_001281493.2, NM_001281494.2); c.2269_2270delAC (NM_000179.2); short protein forms T455fs, T757fs, T627fs.
Identifiers: ClinVar variation 234448 (VCV000234448.17), dbSNP rs876661025, ClinGen allele CA10577272.